The following is an entry in ClinVar:

NM_003737.4(DCHS1):c.5686G>C (p.Ala1896Pro)

Gene: DCHS1 (dachsous cadherin-related 1; minus strand). Cytogenetic location: 11p15.4.
Variant type: single nucleotide variant.
Coding change: c.5686G>C on transcript NM_003737.4 (MANE Select); coding-DNA position 5686, G replaced by C.
Protein change: p.Ala1896Pro; replaces alanine 1896 with proline.
Molecular consequence: missense variant.
Genome position (GRCh38, 1-based): chr11:6,627,353, C>G on the plus strand (G>C on the coding strand, the complement: DCHS1 is on the minus strand). VCF-style: chr11-6627353-C-G. GRCh37 (hg19) VCF-style: chr11-6648584-C-G.
Other names: short protein forms A1896P.
Identifiers: ClinVar variation 2882093 (VCV002882093.3), dbSNP rs750096302, ClinGen allele CA379393377.

ClinVar aggregate classification (germline): Uncertain significance (1 of 4 stars; one submission).

Submission:

Labcorp Genetics (formerly Invitae), Labcorp
Classification: Uncertain significance. Last evaluated: 2024-03-01. Review status: criteria provided, single submitter. Criteria: Invitae Variant Classification Sherloc (09022015). Collection method: clinical testing. Allele origin: germline.
Comment: This sequence change replaces alanine, which is neutral and non-polar, with proline, which is neutral and non-polar, at codon 1896 of the DCHS1 protein (p.Ala1896Pro). This variant is not present in population databases (gnomAD no frequency). This variant has not been reported in the literature in individuals affected with DCHS1-related conditions. Advanced modeling of protein sequence and biophysical properties (such as structural, functional, and spatial information, amino acid conservation, physicochemical variation, residue mobility, and thermodynamic stability) performed at Invitae indicates that this missense variant is not expected to disrupt DCHS1 protein function with a negative predictive value of 80%. In summary, the available evidence is currently insufficient to determine the role of this variant in disease. Therefore, it has been classified as a Variant of Uncertain Significance.